The following is an entry in ClinVar:

ClinVar aggregate classification (germline): Uncertain significance (1 of 4 stars; one submission).

Conditions:
Dilated cardiomyopathy 1G (CMD1G). Identifiers: Orphanet 154, MedGen C1858763, MONDO:0011400, OMIM 604145.
Autosomal recessive limb-girdle muscular dystrophy type 2J (LGMDR10). Also called: Limb-girdle muscular dystrophy, type 2J; MUSCULAR DYSTROPHY, LIMB-GIRDLE, AUTOSOMAL RECESSIVE 10. Identifiers: Orphanet 140922, MedGen C1837342, MONDO:0012127, OMIM 608807.

Allele frequency attached by ClinVar (database versions not stated): gnomAD exomes below 0.00001.
gnomAD v4.1: 1 of 1,613,924 alleles (0.000062%); highest among the groups gnomAD compares: Admixed American, 0.0017%; no homozygotes.

Submission:

Labcorp Genetics (formerly Invitae), Labcorp
Classification: Uncertain significance for Dilated cardiomyopathy 1G; Autosomal recessive limb-girdle muscular dystrophy type 2J. Last evaluated: 2024-11-27. Review status: criteria provided, single submitter. Criteria: Invitae Variant Classification Sherloc (09022015). Collection method: clinical testing. Allele origin: germline.
Comment: This sequence change replaces proline, which is neutral and non-polar, with serine, which is neutral and polar, at codon 34356 of the TTN protein (p.Pro34356Ser). This variant is not present in population databases (gnomAD no frequency). This variant has not been reported in the literature in individuals affected with TTN-related conditions. ClinVar contains an entry for this variant (Variation ID: 2934108). Experimental studies and prediction algorithms are not available or were not evaluated, and the functional significance of this variant is currently unknown. This variant is located in the M band of TTN (PMID: 25589632). Non-truncating variants in this region may be relevant for neuromuscular disorders, but have not been definitively shown to cause cardiomyopathy (PMID: 23975875). In summary, the available evidence is currently insufficient to determine the role of this variant in disease. Therefore, it has been classified as a Variant of Uncertain Significance.

Literature cited by the submitters: PubMed 25589632; PubMed 23975875.

NM_001267550.2(TTN):c.103066C>T (p.Pro34356Ser)

Genes: TTN (titin; minus strand), TTN-AS1 (TTN antisense RNA 1; plus strand). Cytogenetic location: 2q31.2.
Variant type: single nucleotide variant.
Coding change: c.103066C>T on transcript NM_001267550.2 (MANE Select); coding-DNA position 103066, C replaced by T.
Protein change: p.Pro34356Ser; replaces proline 34356 with serine.
Molecular consequence: missense variant.
Genome position (GRCh38, 1-based): chr2:178,533,549, G>A on the plus strand (C>T on the coding strand, the complement: TTN is on the minus strand). VCF-style: chr2-178533549-G-A. GRCh37 (hg19) VCF-style: chr2-179398276-G-A.
Other names: c.98143C>T, p.Pro32715Ser (NM_001256850.1); c.75871C>T, p.Pro25291Ser (NM_003319.4); c.95362C>T, p.Pro31788Ser (NM_133378.4); c.76246C>T, p.Pro25416Ser (NM_133432.3); c.76447C>T, p.Pro25483Ser (NM_133437.4); short protein forms P31788S, P32715S, P25291S, P25416S, P25483S, P34356S.
Identifiers: ClinVar variation 2934108 (VCV002934108.3), dbSNP rs2468498185, ClinGen allele CA349415309.
Genomic context (GRCh38, chr2:178,533,549, plus strand): 5'-CTTGGCATTCTGCATTTGCCAGTAACCTTTTGAACATGGGTCTTAAGGTACTATCTGTTG[G>A]AGGTGGGTGTAGGGTTACTGTCAGCTTTGCTTTACAGCTGTCTTCACCATATTTGTTCCT-3'
Protein context (NP_001254479.2, residues 34346-34366): AKLTVTLHPP[Pro34356Ser]TDSTLRPMFK